The following is an entry in ClinVar:

ClinVar aggregate classification (germline): Likely benign (1 of 4 stars; one submission).

Submission:

CeGaT Center for Human Genetics Tuebingen
Classification: Likely benign. Last evaluated: 2024-03-01. Review status: criteria provided, single submitter. Criteria: CeGaT Center For Human Genetics Tuebingen Variant Classification Criteria Version 2. Collection method: clinical testing. Allele origin: germline. Affected: yes. Observed: 1 variant allele.
Comment: TRIM66: PM2:Supporting, BP4, BP7

NM_001388022.1(TRIM66):c.2712T>C (p.Pro904=)

Gene: TRIM66 (tripartite motif containing 66; minus strand). Cytogenetic location: 11p15.4.
Variant type: single nucleotide variant.
Coding change: c.2712T>C on transcript NM_001388022.1 (MANE Select); coding-DNA position 2712, T replaced by C.
Protein change: p.Pro904=; no amino-acid change (proline 904 retained).
Molecular consequence: synonymous variant.
Genome position (GRCh38, 1-based): chr11:8,624,827, A>G on the plus strand (T>C on the coding strand, the complement: TRIM66 is on the minus strand). VCF-style: chr11-8624827-A-G. GRCh37 (hg19) VCF-style: chr11-8646374-A-G.
Other names: c.2601T>C, p.Pro867= (NM_001388023.1); c.2712T>C, p.Pro904= (NM_001388024.1); c.2277T>C, p.Pro759= (NM_014818.2).
Identifiers: ClinVar variation 3234625 (VCV003234625.20), dbSNP rs2549524791, ClinGen allele CA473265330.